The following is an entry in ClinVar:

ClinVar aggregate classification (germline): Likely pathogenic (1 of 4 stars; one submission).

Conditions:
Autism spectrum disorder. Also called: Autism spectrum disorders. Identifiers: MedGen C1510586, MeSH D000067877, MONDO:0005258.

Allele frequency attached by ClinVar (database versions not stated): TOPMed below 0.00001; gnomAD 0.00001.
gnomAD v4.1: 2 of 1,609,178 alleles (0.00012%); highest among the groups gnomAD compares: South Asian, 0.0011%; no homozygotes.

Submission:

Diagnostics Services (NGS), CSIR - Centre For Cellular And Molecular Biology
Classification: Likely pathogenic for Autism spectrum disorder. Last evaluated: 2022-09-19. Review status: criteria provided, single submitter. Criteria: ACMG Guidelines, 2015. Collection method: clinical testing. Allele origin: unknown. Affected: yes. Observed: 1 variant allele, 1 heterozygote.
Comment: The CNTN6 gene has been characterized as a new candidate gene for intellectual disability and variations in this gene have been reported in literature, associated with autism spectrum neurodevelopmental disorders (PMID: 30826922, 25606055, 23872404, 26257835). The c.1492+1G>T variant is not present in publicly available population databases like 1000 Genomes, ExAC, EVS, gnomAD, Indian Exome Database or in our in-house exome database. The variant has neither been published nor reported to ClinVar, OMIM or HGMD, in any affected individuals. In silico pathogenicity programs like MutationTaster, CADD, Human Splicing Finder (HSF3.1) etc. predicted this variant to be likely deleterious. Algorithms developed to predict the effect of sequence changes on RNA splicing suggest that this variant disrupts the consensus splice site, however these predictions were not confirmed by any published functional studies.

Literature cited by the submitters: PubMed 30826922; PubMed 25606055; PubMed 23872404; PubMed 26257835.

NM_001289080.2(CNTN6):c.1492+1G>T

Gene: CNTN6 (contactin 6; plus strand). Cytogenetic location: 3p26.3.
Variant type: single nucleotide variant.
Coding change: c.1492+1G>T on transcript NM_001289080.2 (MANE Select); the canonical splice donor site of the intron after coding-DNA position 1492, G replaced by T.
Molecular consequence: splice donor variant.
Genome position (GRCh38, 1-based): chr3:1,352,452, G>T. VCF-style: chr3-1352452-G-T. GRCh37 (hg19) VCF-style: chr3-1394136-G-T.
Other names: c.1492+1G>T (NM_001349351.2, NM_001349354.2, NM_014461.4 and 4 more transcripts); c.370+1G>T (NM_001349361.2, NM_001349362.2, NM_001349360.2 and 1 more transcripts); c.937+1G>T (NM_001349358.2); c.1384+1G>T (NM_001349356.2); c.1180+1G>T (NM_001349357.2); c.1276+1G>T (NM_001289081.2).
Identifiers: ClinVar variation 1802251 (VCV001802251.3), dbSNP rs1336350265, ClinGen allele CA351425682.